The following is an entry in ClinVar:

NM_001378454.1(ALMS1):c.9827T>A (p.Met3276Lys)

Gene: ALMS1 (ALMS1 centrosome and basal body associated protein; plus strand). Cytogenetic location: 2p13.1.
Variant type: single nucleotide variant.
Coding change: c.9827T>A on transcript NM_001378454.1 (MANE Select); coding-DNA position 9827, T replaced by A.
Protein change: p.Met3276Lys; replaces methionine 3276 with lysine.
Molecular consequence: missense variant.
Genome position (GRCh38, 1-based): chr2:73,534,869, T>A. VCF-style: chr2-73534869-T-A. GRCh37 (hg19) VCF-style: chr2-73761996-T-A.
Other names: c.9830T>A, p.Met3277Lys (NM_015120.4); short protein forms M3277K, M3276K.
Identifiers: ClinVar variation 835279 (VCV000835279.8), dbSNP rs1673993582, ClinGen allele CA347263644.

ClinVar aggregate classification (germline): Uncertain significance (1 of 4 stars; one submission).

Conditions:
Alstrom syndrome (ALMS). Identifiers: Orphanet 64, MedGen C0268425, MONDO:0008763, OMIM 203800.

Submission:

Labcorp Genetics (formerly Invitae), Labcorp
Classification: Uncertain significance for Alstrom syndrome. Last evaluated: 2019-12-15. Review status: criteria provided, single submitter. Criteria: Invitae Variant Classification Sherloc (09022015). Collection method: clinical testing. Allele origin: germline.
Comment: This variant has not been reported in the literature in individuals with ALMS1-related conditions. In summary, the available evidence is currently insufficient to determine the role of this variant in disease. Therefore, it has been classified as a Variant of Uncertain Significance. Experimental studies and prediction algorithms are not available or were not evaluated, and the functional significance of this variant is currently unknown. This variant is not present in population databases (ExAC no frequency). This sequence change replaces methionine with lysine at codon 3277 of the ALMS1 protein (p.Met3277Lys). The methionine residue is highly conserved and there is a moderate physicochemical difference between methionine and lysine.